The following is an entry in ClinVar:

NM_002386.4(MC1R):c.482C>T (p.Ala161Val)

Gene: MC1R (melanocortin 1 receptor; plus strand). Cytogenetic location: 16q24.3.
Variant type: single nucleotide variant.
Coding change: c.482C>T on transcript NM_002386.4 (MANE Select); coding-DNA position 482, C replaced by T.
Protein change: p.Ala161Val; replaces alanine 161 with valine.
Molecular consequence: missense variant.
Genome position (GRCh38, 1-based): chr16:89,919,740, C>T. VCF-style: chr16-89919740-C-T. GRCh37 (hg19) VCF-style: chr16-89986148-C-T.
Other names: short protein forms A161V.
Identifiers: ClinVar variation 645334 (VCV000645334.9), dbSNP rs574552620, ClinGen allele CA8255612.

ClinVar aggregate classification (germline): Uncertain significance (1 of 4 stars; one submission).

Conditions:
Melanoma, cutaneous malignant, susceptibility to, 5. Also called: Cutaneous malignant melanoma 5. Identifiers: Orphanet 618, MedGen C2751295, MONDO:0013133, OMIM 613099.

Allele frequency attached by ClinVar (database versions not stated): gnomAD 0.00003; TOPMed 0.00005; 1000 Genomes Project 0.00020; 1000 Genomes Project 30x 0.00031.
gnomAD v4.1: 57 of 1,606,372 alleles (0.0035%); highest among the groups gnomAD compares: Middle Eastern, 0.066%; no homozygotes.

Submission:

Labcorp Genetics (formerly Invitae), Labcorp
Classification: Uncertain significance for Melanoma, cutaneous malignant, susceptibility to, 5. Last evaluated: 2023-12-22. Review status: criteria provided, single submitter. Criteria: Invitae Variant Classification Sherloc (09022015). Collection method: clinical testing. Allele origin: germline.
Comment: This sequence change replaces alanine, which is neutral and non-polar, with valine, which is neutral and non-polar, at codon 161 of the MC1R protein (p.Ala161Val). This variant is present in population databases (rs574552620, gnomAD 0.005%). This missense change has been observed in individual(s) with melanoma (PMID: 16982779). ClinVar contains an entry for this variant (Variation ID: 645334). Advanced modeling of protein sequence and biophysical properties (such as structural, functional, and spatial information, amino acid conservation, physicochemical variation, residue mobility, and thermodynamic stability) performed at Invitae indicates that this missense variant is not expected to disrupt MC1R protein function with a negative predictive value of 80%. In summary, the available evidence is currently insufficient to determine the role of this variant in disease. Therefore, it has been classified as a Variant of Uncertain Significance.

Literature cited by the submitters: PubMed 16982779.